The following is an entry in ClinVar:

NM_016122.3(CEP83):c.581T>C (p.Leu194Pro)

Gene: CEP83 (centrosomal protein 83; minus strand). Cytogenetic location: 12q22.
Variant type: single nucleotide variant.
Coding change: c.581T>C on transcript NM_016122.3 (MANE Select); coding-DNA position 581, T replaced by C.
Protein change: p.Leu194Pro; replaces leucine 194 with proline.
Molecular consequence: missense variant. On other transcripts: non-coding transcript variant (3).
Genome position (GRCh38, 1-based): chr12:94,379,011, A>G on the plus strand (T>C on the coding strand, the complement: CEP83 is on the minus strand). VCF-style: chr12-94379011-A-G. GRCh37 (hg19) VCF-style: chr12-94772787-A-G.
Other names: c.581T>C, p.Leu194Pro (NM_001042399.2, NM_001346457.2, NM_001346460.2 and 3 more transcripts); c.269T>C, p.Leu90Pro (NM_001346458.2, NM_001346459.2, NM_001346462.2 and 2 more transcripts); c.356T>C, p.Leu119Pro (NM_001368041.1); c.44T>C, p.Leu15Pro (NM_001368042.1); c.581T>C (NM_016122.2); short protein forms L15P, L194P, L90P, L119P.
Identifiers: ClinVar variation 1424785 (VCV001424785.9), dbSNP rs765908199, ClinGen allele CA6721891.

ClinVar aggregate classification (germline): Conflicting classifications of pathogenicity. Review status: criteria provided, conflicting classifications (1 of 4 stars). 2 submissions from 2 submitters: Likely pathogenic (1); Uncertain significance (1). Last evaluated 2024-07-26.

Conditions:
Nephronophthisis 18 (NPHP18). Identifiers: Orphanet 655, MedGen C3890591, MONDO:0014374, OMIM 615862.

Allele frequency attached by ClinVar (database versions not stated): gnomAD exomes below 0.00001; TOPMed below 0.00001; ExAC 0.00001; gnomAD 0.00001.
gnomAD v4.1: 10 of 1,611,390 alleles (0.00062%); highest among the groups gnomAD compares: South Asian, 0.0011%; no homozygotes.

Submissions (2):

GeneDx
Classification: Likely pathogenic. Last evaluated: 2024-07-26. Review status: criteria provided, single submitter. Criteria: GeneDx Variant Classification Process June 2021. Collection method: clinical testing. Allele origin: germline. Affected: yes.
Comment: Not observed at significant frequency in large population cohorts (gnomAD); In silico analysis supports that this missense variant has a deleterious effect on protein structure/function; This variant is associated with the following publications: (PMID: 33938610)

Labcorp Genetics (formerly Invitae), Labcorp
Classification: Uncertain significance for Nephronophthisis 18. Last evaluated: 2021-05-26. Review status: criteria provided, single submitter. Criteria: Invitae Variant Classification Sherloc (09022015). Collection method: clinical testing. Allele origin: germline.
Comment: This sequence change replaces leucine with proline at codon 194 of the CEP83 protein (p.Leu194Pro). The leucine residue is highly conserved and there is a moderate physicochemical difference between leucine and proline. This variant is present in population databases (rs765908199, ExAC 0.002%). This variant has not been reported in the literature in individuals with CEP83-related conditions. Algorithms developed to predict the effect of missense changes on protein structure and function are either unavailable or do not agree on the potential impact of this missense change (SIFT: "Not Available"; PolyPhen-2: "Probably Damaging"; Align-GVGD: "Not Available"). In summary, the available evidence is currently insufficient to determine the role of this variant in disease. Therefore, it has been classified as a Variant of Uncertain Significance.